The following is an entry in ClinVar:

NM_001830.4(CLCN4):c.299A>G (p.Glu100Gly)

Gene: CLCN4 (chloride voltage-gated channel 4; plus strand). Cytogenetic location: Xp22.2.
Variant type: single nucleotide variant.
Coding change: c.299A>G on transcript NM_001830.4 (MANE Select); coding-DNA position 299, A replaced by G.
Protein change: p.Glu100Gly; replaces glutamic acid 100 with glycine.
Molecular consequence: missense variant.
Genome position (GRCh38, 1-based): chrX:10,194,965, A>G. VCF-style: chrX-10194965-A-G. GRCh37 (hg19) VCF-style: chrX-10163005-A-G.
Other names: c.17A>G, p.Glu6Gly (NM_001256944.2); short protein forms E100G, E6G.
Identifiers: ClinVar variation 3252453 (VCV003252453.1), dbSNP rs2518877842.

ClinVar aggregate classification (germline): Uncertain significance (1 of 4 stars; one submission).

Submission:

GeneDx
Classification: Uncertain significance. Last evaluated: 2023-10-02. Review status: criteria provided, single submitter. Criteria: GeneDx Variant Classification Process June 2021. Collection method: clinical testing. Allele origin: germline. Affected: yes.
Comment: Not observed at significant frequency in large population cohorts (gnomAD); In silico analysis supports that this missense variant has a deleterious effect on protein structure/function; Has not been previously published as pathogenic or benign to our knowledge